The following is an entry in ClinVar:

NM_002185.5(IL7R):c.83-2A>T

Gene: IL7R (interleukin 7 receptor; plus strand). Cytogenetic location: 5p13.2.
Variant type: single nucleotide variant.
Coding change: c.83-2A>T on transcript NM_002185.5 (MANE Select); the canonical splice acceptor site of the intron before coding-DNA position 83, A replaced by T.
Molecular consequence: splice acceptor variant.
Genome position (GRCh38, 1-based): chr5:35,860,850, A>T. VCF-style: chr5-35860850-A-T. GRCh37 (hg19) VCF-style: chr5-35860952-A-T.
Other names: c.83-2A>T (NM_001410734.1).
Identifiers: ClinVar variation 353259 (VCV000353259.18), dbSNP rs886060531, ClinGen allele CA10624373.

ClinVar aggregate classification (germline): Pathogenic. Review status: reviewed by expert panel (3 of 4 stars). 7 submissions from 7 submitters: Pathogenic (1). 6 of the submissions do not count toward it. Last evaluated 2023-10-10.

Conditions:
Immunodeficiency 104. Also called: SCID, AUTOSOMAL RECESSIVE, T CELL-NEGATIVE, B CELL-POSITIVE, NK CELL-POSITIVE; Severe Combined Immune Deficiency, Autosomal Recessive, TCell -Negative, B Cell-Positive, NK Cell-Positive, IL7R-Related; Severe combined immunodeficiency, autosomal recessive, T cell-negative, B cell-positive, NK cell-positive; IMMUNODEFICIENCY 104, SEVERE COMBINED. Identifiers: MedGen C5676890, MONDO:0012163, OMIM 608971.
IL7R-related disorders.

Allele frequency attached by ClinVar (database versions not stated): gnomAD 0.00001.

Submissions (7):

ClinGen Severe Combined Immunodeficiency Variant Curation Expert Panel, ClinGen
Classification: Pathogenic for Immunodeficiency 104. Last evaluated: 2023-10-10. Review status: reviewed by expert panel. Criteria: ClinGen SCID ACMG Specifications IL7R V1.0.0. Collection method: curation. Allele origin: germline. Inheritance: Autosomal recessive inheritance.
Comment: The NM_002185.5(IL7R):c.83-2A>T variant occurs within the canonical splice acceptor site of intron 1. It is predicted to cause skipping of biologically relevant exon 2, resulting in a frameshift with a premature stop codon in exon 3/8, leading to nonsense-mediated decay in a gene in which loss-of-function is an established disease mechanism (PVS1). Patient P4, of PMID: 15661025, is homozygous for this variant (PM3_supporting). At least four probands have been reported in the literature with this variant; however, insufficient information was available to apply PP4 (PMIDs: 32888943, 24578017, 21664875, 15661025). The highest population minor allele frequency in gnomAD v2.1.1 is 0.00005649 (2/35406 alleles) in the Latino/Admixed American population, which is lower than the ClinGen SCID VCEP threshold (<0.00004129; PM2_Supporting). In summary, this variant meets the criteria to be classified as Pathogenic for autosomal recessive SCID based on the ACMG/AMP criteria applied, as specified by the ClinGen SCID VCEP. Criteria applied: PVS1, PM2_supporting, PM3_supporting. (SCID VCEP specifications version 1.0).

GeneDx
Classification: Pathogenic. Last evaluated: 2025-04-21. Review status: criteria provided, single submitter. Criteria: GeneDx Variant Classification Process June 2021. Collection method: clinical testing. Allele origin: germline. Affected: yes. Not counted in ClinVar's aggregate classification.
Comment: Canonical splice site variant predicted to result in a null allele in a gene for which loss of function is a known mechanism of disease; This variant is associated with the following publications: (PMID: 25525159, 15661025, 32888943, 31817502, 24578017)

Dasa
Classification: Pathogenic. Last evaluated: 2025-04-10. Review status: criteria provided, single submitter. Criteria: DASA Assertion Criteria. Collection method: clinical testing. Allele origin: germline. Not counted in ClinVar's aggregate classification.
Comment: NM_002185.5(IL7R):c.83-2A>T affects a canonical splice acceptor site and is predicted to result in loss of function. Loss-of-function is an established mechanism of disease for this gene. The variant has been reported in individuals with immunodeficiency in trans with another pathogenic variant (PMID: 15661025) and is present at very low frequency in population datasets. Based on the available data, this variant is classified as pathogenic.

Labcorp Genetics (formerly Invitae), Labcorp
Classification: Pathogenic for Immunodeficiency 104. Last evaluated: 2025-01-08. Review status: criteria provided, single submitter. Criteria: Invitae Variant Classification Sherloc (09022015). Collection method: clinical testing. Allele origin: germline. Not counted in ClinVar's aggregate classification.
Comment: This sequence change affects an acceptor splice site in intron 1 of the IL7R gene. It is expected to disrupt RNA splicing. Variants that disrupt the donor or acceptor splice site typically lead to a loss of protein function (PMID: 16199547), and loss-of-function variants in IL7R are known to be pathogenic (PMID: 21664875, 26123418). This variant is present in population databases (no rsID available, gnomAD 0.006%). Disruption of this splice site has been observed in individuals with severe combined immunodeficiency (PMID: 15661025, 24578017). This variant is also known as exon 2 -2int1 A>T. ClinVar contains an entry for this variant (Variation ID: 353259). Algorithms developed to predict the effect of sequence changes on RNA splicing suggest that this variant may disrupt the consensus splice site. For these reasons, this variant has been classified as Pathogenic.

Fulgent Genetics
Classification: Likely pathogenic for Immunodeficiency 104. Last evaluated: 2024-05-02. Review status: criteria provided, single submitter. Criteria: ACMG Guidelines, 2015. Collection method: clinical testing. Allele origin: germline. Not counted in ClinVar's aggregate classification.

3billion
Classification: Pathogenic for Immunodeficiency 104. Last evaluated: 2023-02-23. Review status: criteria provided, single submitter. Criteria: ACMG Guidelines, 2015. Collection method: clinical testing. Allele origin: unknown. Affected: yes. Not counted in ClinVar's aggregate classification.
Comment: The variant is observed at an extremely low frequency in the gnomAD v2.1.1 dataset (total allele frequency: <0.001%). This variant was predicted to alter splicing and result in a loss or disruption of normal protein function. Multiple pathogenic loss-of-function variants are reported downstream of the variant. The variant has been reported to be associated with IL7R related disorder (ClinVar ID: VCV000353259). Therefore, this variant is classified as Pathogenic according to the recommendation of ACMG/AMP guideline.

Blueprint Genetics
Classification: Pathogenic for IL7R-related disorders. Last evaluated: 2020-01-14. Review status: criteria provided, single submitter. Criteria: ACMG Guidelines, 2015. Collection method: clinical testing. Allele origin: germline. Affected: yes. Observed: 2 variant alleles. Not counted in ClinVar's aggregate classification.

Literature cited by the submitters: PubMed 15661025 (cited by Dasa and Labcorp Genetics (formerly Invitae), Labcorp); PubMed 16199547 (cited by Labcorp Genetics (formerly Invitae), Labcorp); PubMed 21664875 (cited by Labcorp Genetics (formerly Invitae), Labcorp); PubMed 26123418 (cited by Labcorp Genetics (formerly Invitae), Labcorp); PubMed 24578017 (cited by Labcorp Genetics (formerly Invitae), Labcorp).